The following is an entry in ClinVar:

ClinVar aggregate classification (germline): Uncertain significance (1 of 4 stars; one submission).

Conditions:
Fetal anomalies with a likely genetic cause.

Submission:

Genetics Laboratory, Great Ormond Street Hospital NHS Foundation Trust, North Thames Genomic Laboratory Hub
Classification: Uncertain significance for Fetal anomalies with a likely genetic cause. Last evaluated: 2026-06-22. Review status: criteria provided, single submitter. Criteria: ACGS Best Practice Guidelines for Variant Classification in Rare Disease 2024 v1.2. Collection method: clinical testing. Allele origin: germline. Affected: yes.
Comment: PM2_moderate, PM4_moderate

NM_001099409.3(EHBP1L1):c.3641_3642insCGGGGG (p.Gly1215_Arg1216insGlyGly)

Gene: EHBP1L1 (EH domain binding protein 1 like 1; plus strand). Cytogenetic location: 11q13.1.
Variant type: Insertion.
Coding change: c.3641_3642insCGGGGG on transcript NM_001099409.3 (MANE Select); coding-DNA positions 3641 to 3642, CGGGGG inserted.
Protein change: p.Gly1215_Arg1216insGlyGly.
Molecular consequence: inframe insertion.
Genome position: GRCh38 VCF-style: chr11-65585299-C-CCGGGGG. GRCh37 (hg19) VCF-style: chr11-65352770-C-CCGGGGG.
Other names: c.1367_1368insCGGGGG, p.Gly457_Arg458insGlyGly (NM_001351087.2).
Identifiers: ClinVar variation 4886765 (VCV004886765.1).